The following is an entry in ClinVar:

NM_000180.4(GUCY2D):c.1031C>G (p.Ser344Cys)

Gene: GUCY2D (guanylate cyclase 2D, retinal; plus strand). Cytogenetic location: 17p13.1.
Variant type: single nucleotide variant.
Coding change: c.1031C>G on transcript NM_000180.4 (MANE Select); coding-DNA position 1031, C replaced by G.
Protein change: p.Ser344Cys; replaces serine 344 with cysteine.
Molecular consequence: missense variant.
Genome position (GRCh38, 1-based): chr17:8,006,367, C>G. VCF-style: chr17-8006367-C-G. GRCh37 (hg19) VCF-style: chr17-7909685-C-G.
Other names: c.1031C>G (NM_000180.3); short protein forms S344C.
Identifiers: ClinVar variation 1009928 (VCV001009928.7), dbSNP rs768812125, ClinGen allele CA8365635.

ClinVar aggregate classification (germline): Uncertain significance. Review status: criteria provided, multiple submitters, no conflicts (2 of 4 stars). 3 submissions from 3 submitters: Uncertain significance (3). Last evaluated 2025-12-26.

Conditions:
Cone-rod dystrophy 6 (CORD6). Also called: Cone dystrophy progressive; RETINAL CONE DYSTROPHY 2. Identifiers: Orphanet 1872, MedGen C1866293, MONDO:0011143, OMIM 601777.
Leber congenital amaurosis 1 (LCA1). Also called: AMAUROSIS CONGENITA OF LEBER I; RETINAL BLINDNESS, CONGENITAL; Congenital absence of the rods and cones; Leber's congenital tapetoretinal degeneration; Leber's congenital tapetoretinal dysplasia. Identifiers: Orphanet 65, MedGen C2931258, MONDO:0008764, OMIM 204000.
Inborn genetic diseases. Identifiers: MedGen C0950123, MeSH D030342.

Allele frequency attached by ClinVar (database versions not stated): ExAC 0.00003; TOPMed 0.00003.
gnomAD v4.1: 85 of 1,599,810 alleles (0.0053%); highest among the groups gnomAD compares: Non-Finnish European, 0.007%; no homozygotes.

Submissions (3):

Labcorp Genetics (formerly Invitae), Labcorp
Classification: Uncertain significance for Leber congenital amaurosis 1; Cone-rod dystrophy 6. Last evaluated: 2025-12-26. Review status: criteria provided, single submitter. Criteria: Invitae Variant Classification Sherloc (09022015). Collection method: clinical testing. Allele origin: germline.
Comment: This sequence change replaces serine, which is neutral and polar, with cysteine, which is neutral and slightly polar, at codon 344 of the GUCY2D protein (p.Ser344Cys). This variant is present in population databases (rs768812125, gnomAD 0.006%). This variant has not been reported in the literature in individuals affected with GUCY2D-related conditions. ClinVar contains an entry for this variant (Variation ID: 1009928). Invitae Evidence Modeling of protein sequence and biophysical properties (such as structural, functional, and spatial information, amino acid conservation, physicochemical variation, residue mobility, and thermodynamic stability) indicates that this missense variant is not expected to disrupt GUCY2D protein function with a negative predictive value of 80%. In summary, the available evidence is currently insufficient to determine the role of this variant in disease. Therefore, it has been classified as a Variant of Uncertain Significance.

Ambry Genetics
Classification: Uncertain significance for Inborn genetic diseases. Last evaluated: 2024-08-19. Review status: criteria provided, single submitter. Criteria: Ambry Variant Classification Scheme 2023. Collection method: clinical testing. Allele origin: germline.

Blueprint Genetics
Classification: Uncertain significance. Last evaluated: 2022-11-29. Review status: criteria provided, single submitter. Criteria: ACMG Guidelines, 2015. Collection method: clinical testing. Allele origin: germline.